The following is an entry in ClinVar:

NM_003177.7(SYK):c.1448A>G (p.Lys483Arg)

Gene: SYK (spleen associated tyrosine kinase; plus strand). Cytogenetic location: 9q22.2.
Variant type: single nucleotide variant.
Coding change: c.1448A>G on transcript NM_003177.7 (MANE Select); coding-DNA position 1448, A replaced by G.
Protein change: p.Lys483Arg; replaces lysine 483 with arginine.
Molecular consequence: missense variant.
Genome position (GRCh38, 1-based): chr9:90,878,820, A>G. VCF-style: chr9-90878820-A-G. GRCh37 (hg19) VCF-style: chr9-93641102-A-G.
Other names: c.1379A>G, p.Lys460Arg (NM_001135052.4, NM_001174168.3); c.1448A>G, p.Lys483Arg (NM_001174167.3); short protein forms K460R, K483R.
Identifiers: ClinVar variation 2627228 (VCV002627228.1), dbSNP rs147125933, ClinGen allele CA5119506.
Genomic context (GRCh38, chr9:90,878,820, plus strand): 5'-TCAGACATGTCAAGGATAAGAACATCATAGAACTGGTTCATCAGGTTTCCATGGGCATGA[A>G]GTACTTGGAGGAGAGCAATTTTGTGCACAGAGATCTGGCTGCAAGAAATGTGTTGCTAGT-3'
Protein context (NP_003168.2, residues 473-493): ELVHQVSMGM[Lys483Arg]YLEESNFVHR

ClinVar aggregate classification (germline): Uncertain significance (1 of 4 stars; one submission).

Allele frequency attached by ClinVar (database versions not stated): gnomAD exomes below 0.00001; ExAC 0.00001; gnomAD 0.00005; TOPMed 0.00005; ESP Exome Variant Server 0.00008.
gnomAD v4.1: 11 of 1,614,010 alleles (0.00068%); highest among the groups gnomAD compares: African/African-American, 0.013%; no homozygotes.

Submission:

Women's Health and Genetics/Laboratory Corporation of America, LabCorp
Classification: Uncertain significance. Last evaluated: 2023-09-14. Review status: criteria provided, single submitter. Criteria: LabCorp Variant Classification Summary - May 2015. Collection method: clinical testing. Allele origin: germline.
Comment: Variant summary: SYK c.1448A>G (p.Lys483Arg) results in a conservative amino acid change located in the Protein kinase domain (IPR000719) of the encoded protein sequence. Four of five in-silico tools predict a benign effect of the variant on protein function. The variant allele was found at a frequency of 8e-06 in 251464 control chromosomes (gnomAD). The available data on variant occurrences in the general population are insufficient to allow any conclusion about variant significance. To our knowledge, no occurrence of c.1448A>G in individuals affected with Immunodeficiency 82 With Systemic Inflammation and no experimental evidence demonstrating its impact on protein function have been reported. No submitters have cited clinical-significance assessments for this variant to ClinVar after 2014. Based on the evidence outlined above, the variant was classified as uncertain significance.